The following is an entry in ClinVar:

NM_006180.6(NTRK2):c.2034G>A (p.Ala678=)

Gene: NTRK2 (neurotrophic receptor tyrosine kinase 2; plus strand). Cytogenetic location: 9q21.33.
Variant type: single nucleotide variant.
Coding change: c.2034G>A on transcript NM_006180.6 (MANE Select); coding-DNA position 2034, G replaced by A.
Protein change: p.Ala678=; no amino-acid change (alanine 678 retained).
Molecular consequence: synonymous variant.
Genome position (GRCh38, 1-based): chr9:84,955,379, G>A. VCF-style: chr9-84955379-G-A. GRCh37 (hg19) VCF-style: chr9-87570294-G-A.
Other names: c.1986G>A, p.Ala662= (NM_001018064.3, NM_001369532.1, NM_001369533.1); c.1950G>A, p.Ala650= (NM_001369534.1); c.1518G>A, p.Ala506= (NM_001369535.1); c.1566G>A, p.Ala522= (NM_001369536.1); c.2034G>A, p.Ala678= (NM_001381928.1); c.2034G>A (NM_006180.4).
Identifiers: ClinVar variation 1949341 (VCV001949341.6), dbSNP rs1306775992, ClinGen allele CA465983764.

ClinVar aggregate classification (germline): Likely benign. Review status: criteria provided, single submitter (1 of 4 stars). 2 submissions from 2 submitters: Likely benign (1). 1 of the submissions does not count toward it. Last evaluated 2024-11-27.

Conditions:
NTRK2-related disorder. Also called: NTRK2-related condition.

Allele frequency attached by ClinVar (database versions not stated): gnomAD exomes 0.00001.
gnomAD v4.1: 12 of 1,614,064 alleles (0.00074%); highest among the groups gnomAD compares: Admixed American, 0.0017%; no homozygotes.

Submissions (2):

Labcorp Genetics (formerly Invitae), Labcorp
Classification: Likely benign. Last evaluated: 2024-11-27. Review status: criteria provided, single submitter. Criteria: Invitae Variant Classification Sherloc (09022015). Collection method: clinical testing. Allele origin: germline.

PreventionGenetics, part of Exact Sciences
Classification: Likely benign for NTRK2-related condition. Last evaluated: 2019-08-28. Review status: no assertion criteria provided. Collection method: clinical testing. Allele origin: germline. Not counted in ClinVar's aggregate classification.
Comment: This variant is classified as likely benign based on ACMG/AMP sequence variant interpretation guidelines (Richards et al. 2015 PMID: 25741868, with internal and published modifications).